The following is an entry in ClinVar:

ClinVar aggregate classification (germline): Uncertain significance. Review status: criteria provided, multiple submitters, no conflicts (2 of 4 stars). 3 submissions from 3 submitters: Uncertain significance (2). 1 of the submissions does not count toward it. Last evaluated 2023-11-29.

Conditions:
Inborn genetic diseases. Identifiers: MedGen C0950123, MeSH D030342.

Allele frequency attached by ClinVar (database versions not stated): gnomAD 0.00001.
gnomAD v4.1: 54 of 1,614,076 alleles (0.0033%); highest among the groups gnomAD compares: East Asian, 0.02%; no homozygotes.

Submissions (3):

Blueprint Genetics
Classification: Uncertain significance. Last evaluated: 2023-11-29. Review status: criteria provided, single submitter. Criteria: ACMG Guidelines, 2015. Collection method: clinical testing. Allele origin: germline.

Ambry Genetics
Classification: Uncertain significance for Inborn genetic diseases. Last evaluated: 2023-05-31. Review status: criteria provided, single submitter. Criteria: Ambry Variant Classification Scheme 2023. Collection method: clinical testing. Allele origin: germline.

Department of Pathology and Laboratory Medicine, Sinai Health System
Classification: Uncertain significance. Review status: no assertion criteria provided. Collection method: clinical testing. Allele origin: unknown. Affected: yes. Study: The Canadian Open Genetics Repository (COGR). Not counted in ClinVar's aggregate classification.
Comment: The PAX3 p.Ile188Met variant was not identified in the literature nor was it identified in ClinVar, Cosmic or LOVD 3.0. The variant was identified in dbSNP (ID: rs759181003) and in control databases in 22 of 251496 chromosomes at a frequency of 0.000087 (Genome Aggregation Database Feb 27, 2017). The variant was observed in the following populations: East Asian in 14 of 18394 chromosomes (freq: 0.000761), Other in 1 of 6140 chromosomes (freq: 0.000163) and European (non-Finnish) in 7 of 113770 chromosomes (freq: 0.000062); it was not observed in the African, Latino, Ashkenazi Jewish, European (Finnish) or South Asian populations. The p.Ile188 residue is not conserved in mammals and computational analyses (PolyPhen-2, SIFT, AlignGVGD, BLOSUM, MutationTaster) provide inconsistent predictions regarding the impact to the protein; this information is not very predictive of pathogenicity. The variant occurs outside of the splicing consensus sequence and in silico or computational prediction software programs (SpliceSiteFinder, MaxEntScan, NNSPLICE, GeneSplicer) do not predict a difference in splicing. In summary, based on the above information the clinical significance of this variant cannot be determined with certainty at this time. This variant is classified as a variant of uncertain significance.

NM_181458.4(PAX3):c.564C>G (p.Ile188Met)

Gene: PAX3 (paired box 3; minus strand). Cytogenetic location: 2q36.1.
Variant type: single nucleotide variant.
Coding change: c.564C>G on transcript NM_181458.4 (MANE Select); coding-DNA position 564, C replaced by G.
Protein change: p.Ile188Met; replaces isoleucine 188 with methionine.
Molecular consequence: missense variant.
Genome position (GRCh38, 1-based): chr2:222,294,189, G>C on the plus strand (C>G on the coding strand, the complement: PAX3 is on the minus strand). VCF-style: chr2-222294189-G-C. GRCh37 (hg19) VCF-style: chr2-223158908-G-C.
Other names: c.564C>G (NM_181457.3); c.564C>G, p.Ile188Met (NM_000438.6, NM_013942.5, NM_181457.4 and 3 more transcripts); c.561C>G, p.Ile187Met (NM_001127366.3); short protein forms I187M, I188M.
Identifiers: ClinVar variation 1049036 (VCV001049036.4), dbSNP rs759181003, ClinGen allele CA2135693.